The following is an entry in ClinVar:

ClinVar aggregate classification (germline): Uncertain significance (1 of 4 stars; one submission).

gnomAD v4.1: 1 of 1,614,056 alleles (0.000062%); highest among the groups gnomAD compares: Non-Finnish European, 0.000085%; no homozygotes.

Submission:

GeneDx
Classification: Uncertain significance. Last evaluated: 2024-12-02. Review status: criteria provided, single submitter. Criteria: GeneDx Variant Classification Process June 2021. Collection method: clinical testing. Allele origin: germline. Affected: yes.
Comment: Not observed at significant frequency in large population cohorts (gnomAD); In silico analysis indicates that this missense variant does not alter protein structure/function; In silico analysis suggests this variant may impact gene splicing. In the absence of RNA/functional studies, the actual effect of this sequence change is unknown.; Has not been previously published as pathogenic or benign to our knowledge

NM_004612.4(TGFBR1):c.347A>G (p.Lys116Arg)

Gene: TGFBR1 (transforming growth factor beta receptor 1; plus strand). Cytogenetic location: 9q22.33.
Variant type: single nucleotide variant.
Coding change: c.347A>G on transcript NM_004612.4 (MANE Select); coding-DNA position 347, A replaced by G.
Protein change: p.Lys116Arg; replaces lysine 116 with arginine.
Molecular consequence: missense variant. On other transcripts: non-coding transcript variant (4), intron variant (3).
Genome position (GRCh38, 1-based): chr9:99,132,512, A>G. VCF-style: chr9-99132512-A-G. GRCh37 (hg19) VCF-style: chr9-101894794-A-G.
Other names: c.359A>G, p.Lys120Arg (NM_001306210.2, NM_001407416.1); c.347A>G, p.Lys116Arg (NM_001407417.1, NM_001407435.1); c.152A>G, p.Lys51Arg (NM_001407418.1, NM_001407419.1, NM_001407420.1 and 1 more transcripts); c.140A>G, p.Lys47Arg (NM_001407423.1, NM_001407424.1, NM_001407425.1 and 8 more transcripts); c.101A>G, p.Lys34Arg (NM_001407436.1); c.343+3412A>G (NM_001130916.3); c.98-5347A>G (NM_001407438.1); c.98-10024A>G (NM_001407437.1); short protein forms K116R, K120R, K34R, K47R, K51R.
Identifiers: ClinVar variation 3900961 (VCV003900961.1).
Genomic context (GRCh38, chr9:99,132,512, plus strand): 5'-CCACCTACAGTGTTTTTGTCGTTGTTGATGTTTATTTCACTCGAGGCCCTTTTTCAGTAA[A>G]GTCATCACCTGGCCTTGGTCCTGTGGAACTGGCAGCTGTCATTGCTGGACCAGTGTGCTT-3'
Protein context (NP_004603.1, residues 106-126): CNKIELPTTV[Lys116Arg]SSPGLGPVEL